The following is an entry in ClinVar:

ClinVar aggregate classification (germline): Pathogenic (1 of 4 stars; one submission).

Allele frequency attached by ClinVar (database versions not stated): gnomAD 0.00001; TOPMed 0.00002.

Submission:

Labcorp Genetics (formerly Invitae), Labcorp
Classification: Pathogenic. Last evaluated: 2022-08-19. Review status: criteria provided, single submitter. Criteria: Invitae Variant Classification Sherloc (09022015). Collection method: clinical testing. Allele origin: germline.
Comment: For these reasons, this variant has been classified as Pathogenic. This variant has not been reported in the literature in individuals affected with ERCC6L2-related conditions. This variant is present in population databases (no rsID available, gnomAD 0.002%). This sequence change creates a premature translational stop signal (p.Arg924Ilefs*5) in the ERCC6L2 gene. It is expected to result in an absent or disrupted protein product. Loss-of-function variants in ERCC6L2 are known to be pathogenic (PMID: 24507776, 27185855, 29146883, 29987015).

Literature cited by the submitters: PubMed 24507776; PubMed 27185855; PubMed 29146883; PubMed 29987015.

NM_020207.7(ERCC6L2):c.2733_2734del (p.Arg913fs)

Gene: ERCC6L2 (ERCC excision repair 6 like 2; plus strand). Cytogenetic location: 9q22.32.
Variant type: Deletion.
Coding change: c.2733_2734del on transcript NM_020207.7 (MANE Select); coding-DNA positions 2733 to 2734, 2 bases deleted (TG; older notation c.2733_2734delTG).
Protein change: p.Arg913fs; shifts the reading frame from arginine 913.
Molecular consequence: frameshift variant. On other transcripts: non-coding transcript variant (1).
Genome position (GRCh38, 1-based): chr9:95,972,484-95,972,485, TG deleted. VCF-style (leftmost placement, unchanged base first): chr9-95972483-CTG-C. GRCh37 (hg19) VCF-style: chr9-98734765-CTG-C.
Other names: c.2733_2734del, p.Arg913fs (NM_001375291.1, NM_001375292.1, NM_001375293.1 and 1 more transcripts); short protein forms R913fs.
Identifiers: ClinVar variation 2091242 (VCV002091242.4), dbSNP rs1046789934, ClinGen allele CA196597547.
Genomic context (GRCh38, chr9:95,972,483, plus strand): 5'-TTTTACAGAATGTCACAGAATCAGAAGATAGTGATGTCATCTGTCCTACACAATACACAA[CTG>C]AGAGATTCCCCGACAATAGTATAAGGTTTAAGCCACCCTTGGAAGGATCTGAGGATTCTG-3'